The following is an entry in ClinVar:

NM_001286.5(CLCN6):c.271A>G (p.Thr91Ala)

Gene: CLCN6 (chloride voltage-gated channel 6; plus strand). Cytogenetic location: 1p36.22.
Variant type: single nucleotide variant.
Coding change: c.271A>G on transcript NM_001286.5 (MANE Select); coding-DNA position 271, A replaced by G.
Protein change: p.Thr91Ala; replaces threonine 91 with alanine.
Molecular consequence: missense variant. On other transcripts: non-coding transcript variant (1).
Genome position (GRCh38, 1-based): chr1:11,816,672, A>G. VCF-style: chr1-11816672-A-G. GRCh37 (hg19) VCF-style: chr1-11876729-A-G.
Other names: c.205A>G, p.Thr69Ala (NM_001256959.2); short protein forms T91A, T69A.
Identifiers: ClinVar variation 1461385 (VCV001461385.8), dbSNP rs1043645520, ClinGen allele CA17988000.

ClinVar aggregate classification (germline): Uncertain significance (1 of 4 stars; one submission).

Allele frequency attached by ClinVar (database versions not stated): gnomAD exomes below 0.00001 and 0.00001; gnomAD 0.00001; TOPMed 0.00001.
gnomAD v4.1: 5 of 1,612,538 alleles (0.00031%); highest among the groups gnomAD compares: East Asian, 0.0022%; no homozygotes.

Submission:

Labcorp Genetics (formerly Invitae), Labcorp
Classification: Uncertain significance. Last evaluated: 2024-11-05. Review status: criteria provided, single submitter. Criteria: Invitae Variant Classification Sherloc (09022015). Collection method: clinical testing. Allele origin: germline.
Comment: This sequence change replaces threonine, which is neutral and polar, with alanine, which is neutral and non-polar, at codon 91 of the CLCN6 protein (p.Thr91Ala). This variant is not present in population databases (gnomAD no frequency). This variant has not been reported in the literature in individuals affected with CLCN6-related conditions. ClinVar contains an entry for this variant (Variation ID: 1461385). An algorithm developed to predict the effect of missense changes on protein structure and function (PolyPhen-2) suggests that this variant is likely to be tolerated. In summary, the available evidence is currently insufficient to determine the role of this variant in disease. Therefore, it has been classified as a Variant of Uncertain Significance.